The following is an entry in ClinVar:

ClinVar aggregate classification (germline): Conflicting classifications of pathogenicity. Review status: criteria provided, conflicting classifications (1 of 4 stars). 3 submissions from 3 submitters: Likely pathogenic (1); Uncertain significance (2). Last evaluated 2023-01-17.

Conditions:
EPILEPSY, CHILDHOOD ABSENCE, SUSCEPTIBILITY TO, 2 (ECA2). Identifiers: Orphanet 64280, MedGen C1843244, OMIM 607681.
Febrile seizures, familial, 8 (FEB8). Also called: CONVULSIONS, FAMILIAL FEBRILE, 8. Identifiers: Orphanet 36387, MedGen C1969810, MONDO:0011891, OMIM 607681.
GABRG2-related disorder. Also called: GABRG2-related condition.

Submissions (3):

PreventionGenetics, part of Exact Sciences
Classification: Likely pathogenic for GABRG2-related condition. Last evaluated: 2023-01-17. Review status: criteria provided, single submitter. Criteria: ACMG Guidelines, 2015. Collection method: clinical testing. Allele origin: germline.
Comment: The GABRG2 c.893A>C variant is predicted to result in the amino acid substitution p.Lys298Thr. To our knowledge, this variant has not been reported in the literature or in a large population database, indicating this variant is rare. This variant is interpreted as likely pathogenic.

GeneDx
Classification: Uncertain significance. Last evaluated: 2022-10-20. Review status: criteria provided, single submitter. Criteria: GeneDx Variant Classification Process June 2021. Collection method: clinical testing. Allele origin: germline. Affected: yes.
Comment: Not observed at significant frequency in large population cohorts (gnomAD); In silico analysis supports that this missense variant has a deleterious effect on protein structure/function; Has not been previously published as pathogenic or benign to our knowledge

Labcorp Genetics (formerly Invitae), Labcorp
Classification: Uncertain significance for Febrile seizures, familial, 8; EPILEPSY, CHILDHOOD ABSENCE, SUSCEPTIBILITY TO, 2. Last evaluated: 2020-03-04. Review status: criteria provided, single submitter. Criteria: Invitae Variant Classification Sherloc (09022015). Collection method: clinical testing. Allele origin: germline.
Comment: This sequence change replaces lysine with threonine at codon 298 of the GABRG2 protein (p.Lys298Thr). The lysine residue is highly conserved and there is a moderate physicochemical difference between lysine and threonine. This variant is not present in population databases (ExAC no frequency). This variant has not been reported in the literature in individuals with GABRG2-related conditions. Algorithms developed to predict the effect of missense changes on protein structure and function (SIFT, PolyPhen-2, Align-GVGD) all suggest that this variant is likely to be disruptive, but these predictions have not been confirmed by published functional studies and their clinical significance is uncertain. In summary, the available evidence is currently insufficient to determine the role of this variant in disease. Therefore, it has been classified as a Variant of Uncertain Significance.

NM_198904.4(GABRG2):c.893A>C (p.Lys298Thr)

Gene: GABRG2 (gamma-aminobutyric acid type A receptor subunit gamma2; plus strand). Cytogenetic location: 5q34.
Variant type: single nucleotide variant.
Coding change: c.893A>C on transcript NM_198904.4 (MANE Select); coding-DNA position 893, A replaced by C.
Protein change: p.Lys298Thr; replaces lysine 298 with threonine.
Molecular consequence: missense variant.
Genome position (GRCh38, 1-based): chr5:162,142,287, A>C. VCF-style: chr5-162142287-A-C. GRCh37 (hg19) VCF-style: chr5-161569293-A-C.
Other names: c.893A>C, p.Lys298Thr (NM_000816.3, NM_001375340.1); c.884A>C, p.Lys295Thr (NM_001375339.1); c.890A>C, p.Lys297Thr (NM_001375341.1, NM_001375342.1); c.1013A>C, p.Lys338Thr (NM_001375343.1, NM_198903.2); c.932A>C, p.Lys311Thr (NM_001375344.1); c.827A>C, p.Lys276Thr (NM_001375345.1, NM_001375346.1); c.806A>C, p.Lys269Thr (NM_001375347.1); c.473A>C, p.Lys158Thr (NM_001375348.1, NM_001375350.1); and 1 more; short protein forms K269T, K297T, K276T, K158T, K295T, K298T, K311T, K338T.
Identifiers: ClinVar variation 850908 (VCV000850908.12), dbSNP rs1764627724, ClinGen allele CA362182219.